The following is an entry in ClinVar:

ClinVar aggregate classification (germline): Uncertain significance (1 of 4 stars; one submission).

Conditions:
Hereditary cancer-predisposing syndrome. Also called: Neoplastic Syndromes, Hereditary; Tumor predisposition; Hereditary neoplastic syndrome; Hereditary Cancer Syndrome. Identifiers: Orphanet 140162, MedGen C0027672, MeSH D009386, MONDO:0015356.

Submission:

Ambry Genetics
Classification: Uncertain significance for Hereditary cancer-predisposing syndrome. Last evaluated: 2019-08-22. Review status: criteria provided, single submitter. Criteria: Ambry Variant Classification Scheme 2023. Collection method: clinical testing. Allele origin: germline.
Comment: The p.H1134D variant (also known as c.3400C>G), located in coding exon 20 of the DICER1 gene, results from a C to G substitution at nucleotide position 3400. The histidine at codon 1134 is replaced by aspartic acid, an amino acid with similar properties. This amino acid position is not well conserved in available vertebrate species. In addition, the in silico prediction for this alteration is inconclusive. Since supporting evidence is limited at this time, the clinical significance of this alteration remains unclear.

NM_177438.3(DICER1):c.3400C>G (p.His1134Asp)

Gene: DICER1 (dicer 1, ribonuclease III; minus strand). Cytogenetic location: 14q32.13.
Variant type: single nucleotide variant.
Coding change: c.3400C>G on transcript NM_177438.3 (MANE Select); coding-DNA position 3400, C replaced by G.
Protein change: p.His1134Asp; replaces histidine 1134 with aspartic acid.
Molecular consequence: missense variant.
Genome position (GRCh38, 1-based): chr14:95,103,996, G>C on the plus strand (C>G on the coding strand, the complement: DICER1 is on the minus strand). VCF-style: chr14-95103996-G-C. GRCh37 (hg19) VCF-style: chr14-95570333-G-C.
Other names: c.3400C>G, p.His1134Asp (NM_001195573.1, NM_001271282.3, NM_001291628.2 and 1 more transcripts); short protein forms H1134D.
Identifiers: ClinVar variation 823727 (VCV000823727.4), dbSNP rs1595367292, ClinGen allele CA390875598.
Genomic context (GRCh38, chr14:95,103,996, plus strand): 5'-TGCAGTTCACAGACATTTGGTCATGATTTTCTAGAGAGGAGGTTCTATTAGCACCTTGAT[G>C]TGCAGCATTTTCAGGGACAATTGTGCTGTGCTTACAGTAATTATCATTTTCAGCTGAAGA-3'
Protein context (NP_803187.1, residues 1124-1144): HSTIVPENAA[His1134Asp]QGANRTSSLE